The following is an entry in ClinVar:

NM_003754.3(EIF3F):c.504C>T (p.Leu168=)

Gene: EIF3F (eukaryotic translation initiation factor 3 subunit F; plus strand). Cytogenetic location: 11p15.4.
Variant type: single nucleotide variant.
Coding change: c.504C>T on transcript NM_003754.3 (MANE Select); coding-DNA position 504, C replaced by T.
Protein change: p.Leu168=; no amino-acid change (leucine 168 retained).
Molecular consequence: synonymous variant.
Genome position (GRCh38, 1-based): chr11:7,992,152, C>T. VCF-style: chr11-7992152-C-T. GRCh37 (hg19) VCF-style: chr11-8013699-C-T.
Identifiers: ClinVar variation 3041036 (VCV003041036.3), dbSNP rs202109709, ClinGen allele CA5870545.

ClinVar aggregate classification (germline): Likely benign. Review status: criteria provided, single submitter (1 of 4 stars). 2 submissions from 2 submitters: Likely benign (1). 1 of the submissions does not count toward it. Last evaluated 2024-11-27.

Conditions:
EIF3F-related disorder. Also called: EIF3F-related condition.

Allele frequency attached by ClinVar (database versions not stated): gnomAD exomes 0.00009; ExAC 0.00010; TOPMed 0.00010; gnomAD 0.00015; 1000 Genomes Project 0.00020; 1000 Genomes Project 30x 0.00031.
gnomAD v4.1: 155 of 1,612,324 alleles (0.0096%); highest among the groups gnomAD compares: African/African-American, 0.027%; no homozygotes.

Submissions (2):

Blueprint Genetics
Classification: Likely benign. Last evaluated: 2024-11-27. Review status: criteria provided, single submitter. Criteria: ACMG Guidelines, 2015. Collection method: clinical testing. Allele origin: germline.

PreventionGenetics, part of Exact Sciences
Classification: Likely benign for EIF3F-related condition. Last evaluated: 2019-10-28. Review status: no assertion criteria provided. Collection method: clinical testing. Allele origin: germline. Not counted in ClinVar's aggregate classification.
Comment: This variant is classified as likely benign based on ACMG/AMP sequence variant interpretation guidelines (Richards et al. 2015 PMID: 25741868, with internal and published modifications).